The following is an entry in ClinVar:

ClinVar aggregate classification (germline): Benign (0 of 4 stars; one submission).

Conditions:
DLG1-related disorder. Also called: DLG1-related condition.

Allele frequency attached by ClinVar (database versions not stated): 1000 Genomes Project 30x 0.02467; 1000 Genomes Project 0.02536; ESP Exome Variant Server 0.03545; gnomAD 0.03730; ExAC 0.04345; gnomAD exomes 0.04703.
gnomAD v4.1: 73,745 of 1,605,700 alleles (4.6%); highest among the groups gnomAD compares: South Asian, 5.4%; 2,039 homozygotes.

Submission:

PreventionGenetics, part of Exact Sciences
Classification: Benign for DLG1-related condition. Last evaluated: 2019-09-25. Review status: no assertion criteria provided. Collection method: clinical testing. Allele origin: germline.
Comment: This variant is classified as benign based on ACMG/AMP sequence variant interpretation guidelines (Richards et al. 2015 PMID: 25741868, with internal and published modifications).

NM_001366207.1(DLG1):c.2622A>G (p.Lys874=)

Gene: DLG1 (discs large MAGUK scaffold protein 1; minus strand). Cytogenetic location: 3q29.
Variant type: single nucleotide variant.
Coding change: c.2622A>G on transcript NM_001366207.1 (MANE Select); coding-DNA position 2622, A replaced by G.
Protein change: p.Lys874=; no amino-acid change (lysine 874 retained).
Molecular consequence: synonymous variant. On other transcripts: non-coding transcript variant (4).
Genome position (GRCh38, 1-based): chr3:197,044,683, T>C on the plus strand (A>G on the coding strand, the complement: DLG1 is on the minus strand). VCF-style: chr3-197044683-T-C. GRCh37 (hg19) VCF-style: chr3-196771554-T-C.
Other names: c.2718A>G, p.Lys906= (NM_001366214.1); c.2622A>G, p.Lys874= (NM_001366215.1, NM_001363865.1, NM_001366210.1); c.2502A>G, p.Lys834= (NM_001366216.1, NM_001366219.1); c.2592A>G, p.Lys864= (NM_001366217.1, NM_001366211.1); c.2655A>G, p.Lys885= (NM_001366218.1, NM_001098424.1, NM_001290983.2); c.2565A>G, p.Lys855= (NM_001366220.1); c.2442A>G, p.Lys814= (NM_001366221.1); c.2406A>G, p.Lys802= (NM_001366222.1); and 7 more.
Identifiers: ClinVar variation 3057052 (VCV003057052.2), dbSNP rs35370245, ClinGen allele CA2785066.